The following is an entry in ClinVar:

NM_002109.6(HARS1):c.1261C>G (p.Leu421Val)

Gene: HARS1 (histidyl-tRNA synthetase 1; minus strand). Cytogenetic location: 5q31.3.
Variant type: single nucleotide variant.
Coding change: c.1261C>G on transcript NM_002109.6 (MANE Select); coding-DNA position 1261, C replaced by G.
Protein change: p.Leu421Val; replaces leucine 421 with valine.
Molecular consequence: missense variant.
Genome position (GRCh38, 1-based): chr5:140,675,067, G>C on the plus strand (C>G on the coding strand, the complement: HARS1 is on the minus strand). VCF-style: chr5-140675067-G-C. GRCh37 (hg19) VCF-style: chr5-140054652-G-C.
Other names: c.1141C>G, p.Leu381Val (NM_001258040.3); c.1201C>G, p.Leu401Val (NM_001258041.3); c.1081C>G, p.Leu361Val (NM_001258042.3); c.1039C>G, p.Leu347Val (NM_001289092.2); c.919C>G, p.Leu307Val (NM_001289093.2); c.1174C>G, p.Leu392Val (NM_001289094.2); short protein forms L421V, L307V, L347V, L381V, L392V, L401V, L361V.
Identifiers: ClinVar variation 540208 (VCV000540208.45), dbSNP rs34790864, ClinGen allele CA3443863.

ClinVar aggregate classification (germline): Benign/Likely benign. Review status: criteria provided, multiple submitters, no conflicts (2 of 4 stars). 6 submissions from 6 submitters: Benign (4); Likely benign (2). Last evaluated 2026-01-19.

Conditions:
Usher syndrome type 3B. Also called: USHER SYNDROME, TYPE IIIB. Identifiers: MedGen C3281066, MONDO:0013788, OMIM 614504.

Allele frequency attached by ClinVar (database versions not stated): gnomAD exomes 0.00030 and 0.00085; ExAC 0.00112; 1000 Genomes Project 0.00300; 1000 Genomes Project 30x 0.00344; gnomAD 0.00355 and 0.00375; TOPMed 0.00417; ESP Exome Variant Server 0.00492.
gnomAD v4.1: 996 of 1,613,472 alleles (0.062%); highest among the groups gnomAD compares: African/African-American, 1.2%; 5 homozygotes.

Submissions (7):

Labcorp Genetics (formerly Invitae), Labcorp
Classification: Benign for Usher syndrome type 3B. Last evaluated: 2026-01-19. Review status: criteria provided, single submitter. Criteria: Invitae Variant Classification Sherloc (09022015). Collection method: clinical testing. Allele origin: germline.

Blueprint Genetics
Classification: Likely benign. Last evaluated: 2024-11-14. Review status: criteria provided, single submitter. Criteria: ACMG Guidelines, 2015. Collection method: clinical testing. Allele origin: germline.

CeGaT Center for Human Genetics Tuebingen
Classification: Benign. Last evaluated: 2023-12-01. Review status: criteria provided, single submitter. Criteria: CeGaT Center For Human Genetics Tuebingen Variant Classification Criteria Version 2. Collection method: clinical testing. Allele origin: germline. Affected: yes. Observed: 1 variant allele.
Comment: HARS1: BS1, BS2

GeneDx
Classification: Likely benign. Last evaluated: 2020-10-23. Review status: criteria provided, single submitter. Criteria: GeneDx Variant Classification Process June 2021. Collection method: clinical testing. Allele origin: germline. Affected: yes.

Laboratory for Molecular Medicine, Mass General Brigham Personalized Medicine
Classification: Benign. Last evaluated: 2019-01-03. Review status: criteria provided, single submitter. Criteria: LMM Criteria. Collection method: clinical testing. Allele origin: germline. Observed: 1 variant allele.
Comment: The p.Leu421Val variant in HARS is classified as benign because it has been iden tified in 1.2% (307/24962) of African chromosomes by gnomAD. ACMG/AMP criteria applied: BA1.

Mayo Clinic Laboratories, Mayo Clinic
Classification: Benign. Last evaluated: 2018-02-15. Review status: criteria provided, single submitter. Criteria: ACMG Guidelines, 2015. Collection method: clinical testing. Allele origin: germline. Observed: 4 variant alleles.

Dr. Peter K. Rogan Lab, Western University
No classification provided (evidence only). Condition: Ovarian serous cystadenocarcinoma. Review status: no classification provided. Collection method: in vitro. Allele origin: not applicable. Functional consequence: retained intron. Not counted in ClinVar's aggregate classification.